The following is an entry in ClinVar:

ClinVar aggregate classification (germline): Uncertain significance (1 of 4 stars; one submission).

Allele frequency attached by ClinVar (database versions not stated): gnomAD exomes below 0.00001; ExAC 0.00001.
gnomAD v4.1: 1 of 1,613,806 alleles (0.000062%); highest among the groups gnomAD compares: Admixed American, 0.0017%; no homozygotes.

Submission:

Labcorp Genetics (formerly Invitae), Labcorp
Classification: Uncertain significance. Last evaluated: 2022-06-11. Review status: criteria provided, single submitter. Criteria: Invitae Variant Classification Sherloc (09022015). Collection method: clinical testing. Allele origin: germline.
Comment: This sequence change replaces proline, which is neutral and non-polar, with serine, which is neutral and polar, at codon 2238 of the VPS13A protein (p.Pro2238Ser). This variant is present in population databases (rs779178649, gnomAD 0.003%). This variant has not been reported in the literature in individuals affected with VPS13A-related conditions. Algorithms developed to predict the effect of missense changes on protein structure and function are either unavailable or do not agree on the potential impact of this missense change (SIFT: "Tolerated"; PolyPhen-2: "Possibly Damaging"; Align-GVGD: "Class C0"). In summary, the available evidence is currently insufficient to determine the role of this variant in disease. Therefore, it has been classified as a Variant of Uncertain Significance.

NM_033305.3(VPS13A):c.6712C>T (p.Pro2238Ser)

Gene: VPS13A (vacuolar protein sorting 13 homolog A; plus strand). Cytogenetic location: 9q21.2.
Variant type: single nucleotide variant.
Coding change: c.6712C>T on transcript NM_033305.3 (MANE Select); coding-DNA position 6712, C replaced by T.
Protein change: p.Pro2238Ser; replaces proline 2238 with serine.
Molecular consequence: missense variant.
Genome position (GRCh38, 1-based): chr9:77,339,849, C>T. VCF-style: chr9-77339849-C-T. GRCh37 (hg19) VCF-style: chr9-79954765-C-T.
Other names: c.6595C>T, p.Pro2199Ser (NM_001018037.2); c.6712C>T, p.Pro2238Ser (NM_001018038.3, NM_015186.4); short protein forms P2199S, P2238S.
Identifiers: ClinVar variation 2161551 (VCV002161551.1), dbSNP rs779178649, ClinGen allele CA5093092.